The following is an entry in ClinVar:

NM_015231.3(NUP160):c.2740C>T (p.Arg914Cys)

Gene: NUP160 (nucleoporin 160; minus strand). Cytogenetic location: 11p11.2.
Variant type: single nucleotide variant.
Coding change: c.2740C>T on transcript NM_015231.3 (MANE Select); coding-DNA position 2740, C replaced by T.
Protein change: p.Arg914Cys; replaces arginine 914 with cysteine.
Molecular consequence: missense variant. On other transcripts: non-coding transcript variant (1).
Genome position (GRCh38, 1-based): chr11:47,801,864, G>A on the plus strand (C>T on the coding strand, the complement: NUP160 is on the minus strand). VCF-style: chr11-47801864-G-A. GRCh37 (hg19) VCF-style: chr11-47823416-G-A.
Other names: short protein forms R914C.
Identifiers: ClinVar variation 2419792 (VCV002419792.6), dbSNP rs374918751, ClinGen allele CA5980880.

ClinVar aggregate classification (germline): Uncertain significance (1 of 4 stars; one submission).

Allele frequency attached by ClinVar (database versions not stated): ExAC 0.00005; gnomAD 0.00010; TOPMed 0.00014; ESP Exome Variant Server 0.00015.
gnomAD v4.1: 58 of 1,613,566 alleles (0.0036%); highest among the groups gnomAD compares: African/African-American, 0.021%; no homozygotes.

Submission:

Labcorp Genetics (formerly Invitae), Labcorp
Classification: Uncertain significance. Last evaluated: 2022-02-20. Review status: criteria provided, single submitter. Criteria: Invitae Variant Classification Sherloc (09022015). Collection method: clinical testing. Allele origin: germline.
Comment: In summary, the available evidence is currently insufficient to determine the role of this variant in disease. Therefore, it has been classified as a Variant of Uncertain Significance. Algorithms developed to predict the effect of missense changes on protein structure and function are either unavailable or do not agree on the potential impact of this missense change (SIFT: "Not Available"; PolyPhen-2: "Possibly Damaging"; Align-GVGD: "Not Available"). This variant has not been reported in the literature in individuals affected with NUP160-related conditions. This variant is present in population databases (rs374918751, gnomAD 0.03%). This sequence change replaces arginine, which is basic and polar, with cysteine, which is neutral and slightly polar, at codon 948 of the NUP160 protein (p.Arg948Cys).